The following is an entry in ClinVar:

ClinVar aggregate classification (germline): Pathogenic/Likely pathogenic. Review status: criteria provided, multiple submitters, no conflicts (2 of 4 stars). 2 submissions from 2 submitters: Pathogenic (1); Likely pathogenic (1). Last evaluated 2024-04-30.

Conditions:
Hermansky-Pudlak syndrome 5 (HPS5). Identifiers: Orphanet 231512, Orphanet 79430, MedGen C3888004, MONDO:0013557, OMIM 614074.

Submissions (2):

Fulgent Genetics
Classification: Likely pathogenic for Hermansky-Pudlak syndrome 5. Last evaluated: 2024-04-30. Review status: criteria provided, single submitter. Criteria: ACMG Guidelines, 2015. Collection method: clinical testing. Allele origin: germline.

Labcorp Genetics (formerly Invitae), Labcorp
Classification: Pathogenic. Last evaluated: 2023-01-29. Review status: criteria provided, single submitter. Criteria: Invitae Variant Classification Sherloc (09022015). Collection method: clinical testing. Allele origin: germline.
Comment: This sequence change affects an acceptor splice site in intron 18 of the HPS5 gene. It is expected to disrupt RNA splicing. Variants that disrupt the donor or acceptor splice site typically lead to a loss of protein function (PMID: 16199547), and loss-of-function variants in HPS5 are known to be pathogenic (PMID: 12548288, 15296495, 21833017, 26785811). This variant is not present in population databases (gnomAD no frequency). Disruption of this splice site has been observed in individual(s) with clinical features of Hermansky-Pudlak syndrome (PMID: 32725903). Algorithms developed to predict the effect of sequence changes on RNA splicing suggest that this variant may disrupt the consensus splice site. For these reasons, this variant has been classified as Pathogenic.

Literature cited by the submitters: PubMed 16199547 (cited by Labcorp Genetics (formerly Invitae), Labcorp); PubMed 12548288 (cited by Labcorp Genetics (formerly Invitae), Labcorp); PubMed 15296495 (cited by Labcorp Genetics (formerly Invitae), Labcorp); PubMed 21833017 (cited by Labcorp Genetics (formerly Invitae), Labcorp); PubMed 26785811 (cited by Labcorp Genetics (formerly Invitae), Labcorp); PubMed 32725903 (cited by Labcorp Genetics (formerly Invitae), Labcorp).

NM_181507.2(HPS5):c.2718-2A>G

Gene: HPS5 (HPS5 biogenesis of lysosomal organelles complex 2 subunit 2; minus strand). Cytogenetic location: 11p15.1.
Variant type: single nucleotide variant.
Coding change: c.2718-2A>G on transcript NM_181507.2 (MANE Select); the canonical splice acceptor site of the intron before coding-DNA position 2718, A replaced by G.
Molecular consequence: splice acceptor variant. On other transcripts: intron variant (2).
Genome position (GRCh38, 1-based): chr11:18,286,712, T>C on the plus strand (A>G on the coding strand, the complement: HPS5 is on the minus strand). VCF-style: chr11-18286712-T-C. GRCh37 (hg19) VCF-style: chr11-18308259-T-C.
Other names: c.2304-2A>G (NM_001440929.1, NM_001440928.1, NM_001440927.1); c.2376-2A>G (NM_181508.2, NM_001440921.1, NM_001440926.1 and 6 more transcripts); c.2607-2A>G (NM_001440915.1, NM_001440914.1, NM_001440913.1); c.1863-2A>G (NM_001440931.1); c.2562-2A>G (NM_001440917.1); c.2718-2A>G (NM_001440906.1, NM_001440905.1, NM_001440903.1 and 2 more transcripts); c.2643-2A>G (NM_001440907.1, NM_001440909.1, NM_001440908.1); c.2375+823A>G (NM_001440930.1); and 3 more.
Identifiers: ClinVar variation 2780208 (VCV002780208.4), dbSNP rs2494478049, ClinGen allele CA379517212.